The following is an entry in ClinVar:

ClinVar aggregate classification (germline): Uncertain significance. Review status: criteria provided, multiple submitters, no conflicts (2 of 4 stars). 2 submissions from 2 submitters: Uncertain significance (2). Last evaluated 2024-04-27.

Conditions:
Hereditary cancer-predisposing syndrome. Also called: Tumor predisposition; Hereditary neoplastic syndrome; Hereditary Cancer Syndrome; Neoplastic Syndromes, Hereditary. Identifiers: Orphanet 140162, MedGen C0027672, MeSH D009386, MONDO:0015356.
Carney complex, type 1 (CNC1). Also called: CARNEY MYXOMA-ENDOCRINE COMPLEX; CARNEY COMPLEX, TYPE I. Identifiers: Orphanet 1359, MedGen C2607929, MONDO:0008057, OMIM 160980.

Allele frequency attached by ClinVar (database versions not stated): gnomAD exomes below 0.00001.
gnomAD v4.1: 2 of 1,614,124 alleles (0.00012%); highest among the groups gnomAD compares: Non-Finnish European, 0.00017%; no homozygotes.

Submissions (2):

Ambry Genetics
Classification: Uncertain significance for Hereditary cancer-predisposing syndrome. Last evaluated: 2024-04-27. Review status: criteria provided, single submitter. Criteria: Ambry Variant Classification Scheme 2023. Collection method: clinical testing. Allele origin: germline.
Comment: The p.A341G variant (also known as c.1022C>G), located in coding exon 10 of the PRKAR1A gene, results from a C to G substitution at nucleotide position 1022. The alanine at codon 341 is replaced by glycine, an amino acid with similar properties. This amino acid position is conserved. In addition, this alteration is predicted to be deleterious by in silico analysis. Based on the available evidence, the clinical significance of this variant remains unclear.

Labcorp Genetics (formerly Invitae), Labcorp
Classification: Uncertain significance for Carney complex, type 1. Last evaluated: 2023-03-31. Review status: criteria provided, single submitter. Criteria: Invitae Variant Classification Sherloc (09022015). Collection method: clinical testing. Allele origin: germline.
Comment: This sequence change replaces alanine, which is neutral and non-polar, with glycine, which is neutral and non-polar, at codon 341 of the PRKAR1A protein (p.Ala341Gly). This variant is not present in population databases (gnomAD no frequency). This variant has not been reported in the literature in individuals affected with PRKAR1A-related conditions. Advanced modeling of protein sequence and biophysical properties (such as structural, functional, and spatial information, amino acid conservation, physicochemical variation, residue mobility, and thermodynamic stability) performed at Invitae indicates that this missense variant is expected to disrupt PRKAR1A protein function. In summary, the available evidence is currently insufficient to determine the role of this variant in disease. Therefore, it has been classified as a Variant of Uncertain Significance.

NM_002734.5(PRKAR1A):c.1022C>G (p.Ala341Gly)

Gene: PRKAR1A (protein kinase cAMP-dependent type I regulatory subunit alpha; plus strand). Cytogenetic location: 17q24.2.
Variant type: single nucleotide variant.
Coding change: c.1022C>G on transcript NM_002734.5 (MANE Select); coding-DNA position 1022, C replaced by G.
Protein change: p.Ala341Gly; replaces alanine 341 with glycine.
Molecular consequence: missense variant. On other transcripts: intron variant (1).
Genome position (GRCh38, 1-based): chr17:68,530,325, C>G. VCF-style: chr17-68530325-C-G. GRCh37 (hg19) VCF-style: chr17-66526466-C-G.
Other names: c.1022C>G, p.Ala341Gly (NM_001276289.2, NM_001278433.2, NM_001369389.1 and 3 more transcripts); c.973+324C>G (NM_001276290.1); c.1022C>G (NM_002734.3); short protein forms A341G.
Identifiers: ClinVar variation 3021816 (VCV003021816.4), dbSNP rs2143390303, ClinGen allele CA400754559.
Genomic context (GRCh38, chr17:68,530,325, plus strand): 5'-TGCTTTCTCCAGGTGAAATTGCACTACTGATGAATCGTCCTCGTGCTGCCACAGTTGTTG[C>G]TCGTGGCCCCTTGAAGTGCGTTAAGCTGGACCGACCTAGATTTGAACGTGTTCTTGGCCC-3'
Protein context (NP_002725.1, residues 331-351): MNRPRAATVV[Ala341Gly]RGPLKCVKLD